The following is an entry in ClinVar:

ClinVar aggregate classification (germline): Uncertain significance. Review status: criteria provided, multiple submitters, no conflicts (2 of 4 stars). 2 submissions from 2 submitters: Uncertain significance (2). Last evaluated 2024-01-06.

Conditions:
Developmental delay, hypotonia, musculoskeletal defects, and behavioral abnormalities. Identifiers: MedGen C5562012, MONDO:0859202, OMIM 619595.
Floating-Harbor syndrome (FLHS). Also called: Short stature with delayed bone age, expressive language delay, a triangular face with a prominent nose and deep-set eyes; Pelletier-Leisti syndrome; SRCAP-Related Floating-Harbor Syndrome. Identifiers: Orphanet 2044, MedGen C0729582, MONDO:0007621, OMIM 136140.

Allele frequency attached by ClinVar (database versions not stated): TOPMed below 0.00001; ExAC 0.00001; gnomAD exomes 0.00001.

Submissions (2):

Fulgent Genetics
Classification: Uncertain significance for Floating-Harbor syndrome; Developmental delay, hypotonia, musculoskeletal defects, and behavioral abnormalities. Last evaluated: 2024-01-06. Review status: criteria provided, single submitter. Criteria: ACMG Guidelines, 2015. Collection method: clinical testing. Allele origin: germline.

Labcorp Genetics (formerly Invitae), Labcorp
Classification: Uncertain significance. Last evaluated: 2022-07-25. Review status: criteria provided, single submitter. Criteria: Invitae Variant Classification Sherloc (09022015). Collection method: clinical testing. Allele origin: germline.
Comment: In summary, the available evidence is currently insufficient to determine the role of this variant in disease. Therefore, it has been classified as a Variant of Uncertain Significance. Algorithms developed to predict the effect of missense changes on protein structure and function are either unavailable or do not agree on the potential impact of this missense change (SIFT: "Deleterious"; PolyPhen-2: "Not Available"; Align-GVGD: "Class C0"). This variant has not been reported in the literature in individuals affected with SRCAP-related conditions. This variant is present in population databases (rs757045475, gnomAD 0.006%). This sequence change replaces glycine, which is neutral and non-polar, with glutamic acid, which is acidic and polar, at codon 3075 of the SRCAP protein (p.Gly3075Glu).

NM_006662.3(SRCAP):c.9224G>A (p.Gly3075Glu)

Gene: SRCAP (Snf2 related CREBBP activator protein; plus strand). Cytogenetic location: 16p11.2.
Variant type: single nucleotide variant.
Coding change: c.9224G>A on transcript NM_006662.3 (MANE Select); coding-DNA position 9224, G replaced by A.
Protein change: p.Gly3075Glu; replaces glycine 3075 with glutamic acid.
Molecular consequence: missense variant.
Genome position (GRCh38, 1-based): chr16:30,739,264, G>A. VCF-style: chr16-30739264-G-A. GRCh37 (hg19) VCF-style: chr16-30750585-G-A.
Other names: short protein forms G3075E.
Identifiers: ClinVar variation 2176906 (VCV002176906.5), dbSNP rs757045475, ClinGen allele CA8012865.